The following is an entry in ClinVar:

NM_000875.5(IGF1R):c.4057C>G (p.Arg1353Gly)

Gene: IGF1R (insulin like growth factor 1 receptor; plus strand). Cytogenetic location: 15q26.3.
Variant type: single nucleotide variant.
Coding change: c.4057C>G on transcript NM_000875.5 (MANE Select); coding-DNA position 4057, C replaced by G.
Protein change: p.Arg1353Gly; replaces arginine 1353 with glycine.
Molecular consequence: missense variant.
Genome position (GRCh38, 1-based): chr15:98,957,395, C>G. VCF-style: chr15-98957395-C-G. GRCh37 (hg19) VCF-style: chr15-99500624-C-G.
Other names: c.4054C>G, p.Arg1352Gly (NM_001291858.2); short protein forms R1352G, R1353G.
Identifiers: ClinVar variation 3901678 (VCV003901678.1).

ClinVar aggregate classification (germline): Uncertain significance (1 of 4 stars; one submission).

Submission:

GeneDx
Classification: Uncertain significance. Last evaluated: 2024-12-03. Review status: criteria provided, single submitter. Criteria: GeneDx Variant Classification Process June 2021. Collection method: clinical testing. Allele origin: germline. Affected: yes.
Comment: Not observed at significant frequency in large population cohorts (gnomAD); In silico analysis supports that this missense variant has a deleterious effect on protein structure/function; Has not been previously published as pathogenic or benign to our knowledge